The following is an entry in ClinVar:

ClinVar aggregate classification (germline): Uncertain significance (1 of 4 stars; one submission).

Submission:

Ambry Genetics
Classification: Uncertain significance. Last evaluated: 2025-02-06. Review status: criteria provided, single submitter. Criteria: Ambry Variant Classification Scheme 2023. Collection method: clinical testing. Allele origin: germline.
Comment: The p.S1878Y variant (also known as c.5633C>A), located in coding exon 22 of the WNK2 gene, results from a C to A substitution at nucleotide position 5633. The serine at codon 1878 is replaced by tyrosine, an amino acid with dissimilar properties. This amino acid position is conserved. In addition, the in silico prediction for this alteration is inconclusive. Based on the available evidence, the clinical significance of this variant remains unclear.

NM_006648.4(WNK2):c.5633C>A (p.Ser1878Tyr)

Gene: WNK2 (WNK lysine deficient protein kinase 2; plus strand). Cytogenetic location: 9q22.31.
Variant type: single nucleotide variant.
Coding change: c.5633C>A on transcript NM_006648.4 (MANE Select); coding-DNA position 5633, C replaced by A.
Protein change: p.Ser1878Tyr; replaces serine 1878 with tyrosine.
Molecular consequence: missense variant.
Genome position (GRCh38, 1-based): chr9:93,293,098, C>A. VCF-style: chr9-93293098-C-A. GRCh37 (hg19) VCF-style: chr9-96055380-C-A.
Other names: c.5744C>A, p.Ser1915Tyr (NM_001282394.3); short protein forms S1878Y, S1915Y.
Identifiers: ClinVar variation 3817022 (VCV003817022.1).
Genomic context (GRCh38, chr9:93,293,098, plus strand): 5'-CCAGCAGGGTGGGCATGAAGGTCCCCACGATCAGCGTGACCTCCTTCCATTCCCAGTCGT[C>A]CTACATCAGCAGCGACAATGATTCGGAGCTCGAGGATGCTGACATAAAGAAGGAGCTGCA-3'
Protein context (NP_006639.3, residues 1868-1888): ISVTSFHSQS[Ser1878Tyr]YISSDNDSEL